The following is an entry in ClinVar:

ClinVar aggregate classification (germline): Conflicting classifications of pathogenicity. Review status: criteria provided, conflicting classifications (1 of 4 stars). 4 submissions from 4 submitters: Uncertain significance (3); Likely benign (1). Last evaluated 2024-12-13.

Conditions:
Hereditary cancer-predisposing syndrome. Also called: Hereditary Cancer Syndrome; Hereditary neoplastic syndrome; Neoplastic Syndromes, Hereditary; Tumor predisposition. Identifiers: Orphanet 140162, MedGen C0027672, MeSH D009386, MONDO:0015356.
Hereditary diffuse gastric adenocarcinoma (HDGC). Also called: DIFFUSE GASTRIC AND LOBULAR BREAST CANCER SYNDROME. Identifiers: Orphanet 26106, MedGen C1708349, MONDO:0007648, OMIM 137215.

Submissions (4):

GeneDx
Classification: Uncertain significance. Last evaluated: 2024-12-13. Review status: criteria provided, single submitter. Criteria: GeneDx Variant Classification Process June 2021. Collection method: clinical testing. Allele origin: germline. Affected: yes.
Comment: Not observed at significant frequency in large population cohorts (gnomAD); In silico analysis indicates that this variant does not alter splicing; Has not been previously published as pathogenic or benign to our knowledge

Ambry Genetics
Classification: Uncertain significance for Hereditary cancer-predisposing syndrome. Last evaluated: 2024-10-08. Review status: criteria provided, single submitter. Criteria: Ambry Variant Classification Scheme 2023. Collection method: clinical testing. Allele origin: germline.
Comment: The c.2296-3A>T intronic variant results from an A to T substitution 3 nucleotides upstream from coding exon 15 in the CDH1 gene. This nucleotide position is not well conserved in available vertebrate species. In silico splice site analysis predicts that this alteration will not have any significant effect on splicing. Based on the available evidence, the clinical significance of this variant remains unclear.

Color Diagnostics, LLC DBA Color Health
Classification: Likely benign for Hereditary cancer-predisposing syndrome. Last evaluated: 2023-07-17. Review status: criteria provided, single submitter. Criteria: ACMG Guidelines, 2015. Collection method: clinical testing. Allele origin: germline.

Labcorp Genetics (formerly Invitae), Labcorp
Classification: Uncertain significance for Hereditary diffuse gastric adenocarcinoma. Last evaluated: 2019-11-14. Review status: criteria provided, single submitter. Criteria: Invitae Variant Classification Sherloc (09022015). Collection method: clinical testing. Allele origin: germline.
Comment: In summary, the available evidence is currently insufficient to determine the role of this variant in disease. Therefore, it has been classified as a Variant of Uncertain Significance. Nucleotide substitutions within the consensus splice site are a relatively common cause of aberrant splicing (PMID: 17576681, 9536098). Algorithms developed to predict the effect of sequence changes on RNA splicing suggest that this variant is not likely to affect RNA splicing, but this prediction has not been confirmed by published transcriptional studies. This variant has not been reported in the literature in individuals with CDH1-related conditions. This variant is not present in population databases (ExAC no frequency). This sequence change falls in intron 14 of the CDH1 gene. It does not directly change the encoded amino acid sequence of the CDH1 protein, but it affects a nucleotide within the consensus splice site of the intron.

Literature cited by the submitters: PubMed 17576681 (cited by Labcorp Genetics (formerly Invitae), Labcorp); PubMed 9536098 (cited by Labcorp Genetics (formerly Invitae), Labcorp).

NM_004360.5(CDH1):c.2296-3A>T

Gene: CDH1 (cadherin 1; plus strand). Cytogenetic location: 16q22.1.
Variant type: single nucleotide variant.
Coding change: c.2296-3A>T on transcript NM_004360.5 (MANE Select); 3 bases into the intron before coding-DNA position 2296, A replaced by T.
Molecular consequence: intron variant.
Genome position (GRCh38, 1-based): chr16:68,829,651, A>T. VCF-style: chr16-68829651-A-T. GRCh37 (hg19) VCF-style: chr16-68863554-A-T.
Other names: c.748-3A>T (NM_001317185.2); c.331-3A>T (NM_001317186.2); c.2113-3A>T (NM_001317184.2).
Identifiers: ClinVar variation 919391 (VCV000919391.17), dbSNP rs113067020, ClinGen allele CA1139664772.
Genomic context (GRCh38, chr16:68,829,651, plus strand): 5'-GCCCTGTGTGTATGACTATTTCTTTCCTACTCTTCATTGTACTTCAACCTTTTTTCTCCA[A>T]AGGACTTTGACTTGAGCCAGCTGCACAGGGGCCTGGACGCTCGGCCTGAAGTGACTCGTA-3'